The following is an entry in ClinVar:

NM_153033.5(KCTD7):c.*690G>C

Gene: KCTD7 (potassium channel tetramerization domain containing 7; plus strand). Cytogenetic location: 7q11.21.
Variant type: single nucleotide variant.
Coding change: c.*690G>C on transcript NM_153033.5 (MANE Select); 690 bases downstream of the stop codon, G replaced by C.
Molecular consequence: 3 prime UTR variant. On other transcripts: intron variant (1).
Genome position (GRCh38, 1-based): chr7:66,639,922, G>C. VCF-style: chr7-66639922-G-C. GRCh37 (hg19) VCF-style: chr7-66104909-G-C.
Other names: c.867-472G>C (NM_001167961.2).
Identifiers: ClinVar variation 360594 (VCV000360594.6), dbSNP rs4718382, ClinGen allele CA10629369.

ClinVar aggregate classification (germline): Benign. Review status: criteria provided, multiple submitters, no conflicts (2 of 4 stars). 2 submissions from 2 submitters: Benign (2). Last evaluated 2018-01-12.

Conditions:
Progressive myoclonic epilepsy type 3. Also called: EPILEPSY, PROGRESSIVE MYOCLONIC, 3, WITH OR WITHOUT INTRACELLULAR INCLUSIONS; CEROID LIPOFUSCINOSIS, NEURONAL, 14; EPILEPSY, PROGRESSIVE MYOCLONIC, 3, WITHOUT INTRACELLULAR INCLUSIONS; KCTD7-Related Progressive Myoclonic Epilepsy. Identifiers: Orphanet 263516, MedGen C2673257, MONDO:0012721, OMIM 611726.

Allele frequency attached by ClinVar (database versions not stated): 1000 Genomes Project 30x 0.03779; TOPMed 0.03792; 1000 Genomes Project 0.04073.
gnomAD v4.1: 56,971 of 1,245,186 alleles (4.6%); highest among the groups gnomAD compares: East Asian, 12%; 1,542 homozygotes.

Submissions (2):

Illumina Laboratory Services, Illumina
Classification: Benign for Progressive myoclonic epilepsy type 3. Last evaluated: 2018-01-12. Review status: criteria provided, single submitter. Criteria: ICSL Variant Classification Criteria 13 December 2019. Collection method: clinical testing. Allele origin: germline.
Comment: This variant was observed in the ICSL laboratory as part of a predisposition screen in an ostensibly healthy population. It had not been previously curated by ICSL or reported in the Human Gene Mutation Database (HGMD: prior to June 1st, 2018), and was therefore a candidate for classification through an automated scoring system. Utilizing variant allele frequency, disease prevalence and penetrance estimates, and inheritance mode, an automated score was calculated to assess if this variant is too frequent to cause the disease. Based on the score and internal cut-off values, a variant classified as benign is not then subjected to further curation. The score for this variant resulted in a classification of benign for this disease.

Breakthrough Genomics
Classification: Benign. Review status: criteria provided, single submitter. Criteria: ACMG Guidelines, 2015. Collection method: not provided. Allele origin: germline. Inheritance: Autosomal recessive inheritance. Affected: yes.